The following is an entry in ClinVar:

NM_001033047.3(NPNT):c.270A>C (p.Leu90=)

Gene: NPNT (nephronectin; plus strand). Cytogenetic location: 4q24.
Variant type: single nucleotide variant.
Coding change: c.270A>C on transcript NM_001033047.3 (MANE Select); coding-DNA position 270, A replaced by C.
Protein change: p.Leu90=; no amino-acid change (leucine 90 retained).
Molecular consequence: synonymous variant.
Genome position (GRCh38, 1-based): chr4:105,937,013, A>C. VCF-style: chr4-105937013-A-C. GRCh37 (hg19) VCF-style: chr4-106858170-A-C.
Other names: c.321A>C, p.Leu107= (NM_001184690.2); c.360A>C, p.Leu120= (NM_001184691.2, NM_001184693.2); c.270A>C, p.Leu90= (NM_001184692.2).
Identifiers: ClinVar variation 2655005 (VCV002655005.24), dbSNP rs371961951, ClinGen allele CA3034154.

ClinVar aggregate classification (germline): Likely benign (1 of 4 stars; one submission).

Allele frequency attached by ClinVar (database versions not stated): ExAC 0.00018; gnomAD exomes 0.00021; TOPMed 0.00021; gnomAD 0.00029; ESP Exome Variant Server 0.00031.
gnomAD v4.1: 349 of 1,612,818 alleles (0.022%); highest among the groups gnomAD compares: Admixed American, 0.059%; 1 homozygote.

Submission:

CeGaT Center for Human Genetics Tuebingen
Classification: Likely benign. Last evaluated: 2023-03-01. Review status: criteria provided, single submitter. Criteria: CeGaT Center For Human Genetics Tuebingen Variant Classification Criteria Version 2. Collection method: clinical testing. Allele origin: germline. Affected: yes. Observed: 1 variant allele.
Comment: NPNT: BP4, BP7